The following is an entry in ClinVar:

ClinVar aggregate classification (germline): Uncertain significance (1 of 4 stars; one submission).

Conditions:
Wilson disease (WND). Also called: Wilson's disease. Identifiers: Orphanet 905, MedGen C0019202, MONDO:0010200, OMIM 277900. Disease mechanism: loss of function.

Submission:

Color Diagnostics, LLC DBA Color Health
Classification: Uncertain significance for Wilson disease. Last evaluated: 2025-06-09. Review status: criteria provided, single submitter. Criteria: ACMG Guidelines, 2015. Collection method: clinical testing. Allele origin: germline.
Comment: This missense variant replaces aspartic acid with glycine at codon 78 of the ATP7B protein. Computational prediction suggests that this variant may not impact protein structure and function. To our knowledge, functional studies have not been reported for this variant. This variant has not been reported in individuals affected with ATP7B-related disorders in the literature. This variant has not been identified in the general population by the Genome Aggregation Database (gnomAD). The available evidence is insufficient to determine the role of this variant in disease conclusively. Therefore, this variant is classified as a Variant of Uncertain Significance.

NM_000053.4(ATP7B):c.233A>G (p.Asp78Gly)

Gene: ATP7B (ATPase copper transporting beta; minus strand). Cytogenetic location: 13q14.3.
Variant type: single nucleotide variant.
Coding change: c.233A>G on transcript NM_000053.4 (MANE Select); coding-DNA position 233, A replaced by G.
Protein change: p.Asp78Gly; replaces aspartic acid 78 with glycine.
Molecular consequence: missense variant.
Genome position (GRCh38, 1-based): chr13:51,974,987, T>C on the plus strand (A>G on the coding strand, the complement: ATP7B is on the minus strand). VCF-style: chr13-51974987-T-C. GRCh37 (hg19) VCF-style: chr13-52549123-T-C.
Other names: c.233A>G, p.Asp78Gly (NM_001406534.1, NM_001406535.1, NM_001406537.1 and 30 more transcripts); c.137A>G, p.Asp46Gly (NM_001406536.1, NM_001406539.1, NM_001406543.1 and 4 more transcripts); short protein forms D46G, D78G.
Identifiers: ClinVar variation 4758817 (VCV004758817.1).